The following is an entry in ClinVar:

ClinVar aggregate classification (germline): Uncertain significance (1 of 4 stars; one submission).

Conditions:
Joubert syndrome. Also called: Familial aplasia of the vermis; JOUBERT-BOLTSHAUSER SYNDROME. Identifiers: Orphanet 475, MedGen C5979921, MONDO:0018772.
Meckel-Gruber syndrome. Also called: Dysencephalia splachnocystica; DYSENCEPHALIA SPLANCHNOCYSTICA; GRUBER SYNDROME. Identifiers: Orphanet 564, MedGen C0265215, MONDO:0018921.

Submission:

Labcorp Genetics (formerly Invitae), Labcorp
Classification: Uncertain significance for Joubert syndrome; Meckel-Gruber syndrome. Last evaluated: 2022-10-13. Review status: criteria provided, single submitter. Criteria: Invitae Variant Classification Sherloc (09022015). Collection method: clinical testing. Allele origin: germline.
Comment: This sequence change falls in intron 15 of the CC2D2A gene. It does not directly change the encoded amino acid sequence of the CC2D2A protein. This variant is not present in population databases (gnomAD no frequency). This variant has not been reported in the literature in individuals affected with CC2D2A-related conditions. Algorithms developed to predict the effect of sequence changes on RNA splicing suggest that this variant may disrupt the consensus splice site. In summary, the available evidence is currently insufficient to determine the role of this variant in disease. Therefore, it has been classified as a Variant of Uncertain Significance.

NM_001378615.1(CC2D2A):c.1608-12del

Genes: CC2D2A (coiled-coil and C2 domain containing 2A; plus strand), FBXL5 (F-box and leucine rich repeat protein 5; minus strand). Cytogenetic location: 4p15.32.
Variant type: Deletion.
Coding change: c.1608-12del on transcript NM_001378615.1 (MANE Select); 12 bases into the intron before coding-DNA position 1608, one base deleted (A; older notation c.1608-12delA).
Molecular consequence: intron variant.
Genome position (GRCh38, 1-based): chr4:15,536,908, A deleted; the last of 3 consecutive A bases (chr4:15,536,906-15,536,908); deleting any one gives the same sequence. VCF-style (leftmost placement, unchanged base first): chr4-15536905-CA-C. GRCh37 (hg19) VCF-style: chr4-15538528-CA-C.
Other names: c.1608-12del (NM_001080522.2); c.1461-12del (NM_001378617.1).
Identifiers: ClinVar variation 1985385 (VCV001985385.4), dbSNP rs2474974346, ClinGen allele CA2580070871.
Genomic context (GRCh38, chr4:15,536,905, plus strand): 5'-ATAAGTATTTGCTGTTATTATTGCTCTCTTACTTAATTTCCAGAAATAACCAAGGGACTA[CA>C]AATTATTTTAAAGGGAAAAAGCTGACCAGAAAGCAGATGAAGAAGCATATGAAGCAGAAA-3'